The following is an entry in ClinVar:

ClinVar aggregate classification (germline): Uncertain significance (1 of 4 stars; one submission).

Conditions:
Neurodevelopmental disorder with or without early-onset generalized epilepsy. Identifiers: MedGen C5436914, MONDO:0030930, OMIM 619157.

gnomAD v4.1: 14 of 1,613,528 alleles (0.00087%); highest among the groups gnomAD compares: Non-Finnish European, 0.00076%; no homozygotes.

Submission:

Laboratorio de Genetica e Diagnostico Molecular, Hospital Israelita Albert Einstein
Classification: Uncertain significance for Neurodevelopmental disorder with or without early-onset generalized epilepsy. Last evaluated: 2025-07-04. Review status: criteria provided, single submitter. Criteria: ACMG Guidelines, 2015. Collection method: clinical testing. Allele origin: germline. Affected: yes.
Comment: ACMG classification criteria: PM2 supporting, PP2 supporting

NM_001385012.1(NBEA):c.7745C>T (p.Pro2582Leu)

Gene: NBEA (neurobeachin; plus strand). Cytogenetic location: 13q13.3.
Variant type: single nucleotide variant.
Coding change: c.7745C>T on transcript NM_001385012.1 (MANE Select); coding-DNA position 7745, C replaced by T.
Protein change: p.Pro2582Leu; replaces proline 2582 with leucine.
Molecular consequence: missense variant.
Genome position (GRCh38, 1-based): chr13:35,646,323, C>T. VCF-style: chr13-35646323-C-T. GRCh37 (hg19) VCF-style: chr13-36220460-C-T.
Other names: c.1061C>T, p.Pro354Leu (NM_001204197.3); c.7736C>T, p.Pro2579Leu (NM_001379245.1); c.7682C>T, p.Pro2561Leu (NM_015678.5); short protein forms P2561L, P2579L, P2582L, P354L.
Identifiers: ClinVar variation 4846870 (VCV004846870.1).